The following is an entry in ClinVar:

ClinVar aggregate classification (germline): Uncertain significance (1 of 4 stars; one submission).

Conditions:
Heterotaxy, visceral, 5, autosomal (HTX5). Also called: Heterotaxy, visceral, 5. Identifiers: Orphanet 450, MedGen C3495537, MONDO:0700112, OMIM 270100.

Allele frequency attached by ClinVar (database versions not stated): gnomAD exomes below 0.00001.
gnomAD v4.1: 1 of 1,614,090 alleles (0.000062%); highest among the groups gnomAD compares: Non-Finnish European, 0.000085%; no homozygotes.

Submission:

Labcorp Genetics (formerly Invitae), Labcorp
Classification: Uncertain significance for Heterotaxy, visceral, 5, autosomal. Last evaluated: 2017-03-23. Review status: criteria provided, single submitter. Criteria: Invitae Variant Classification Sherloc (09022015). Collection method: clinical testing. Allele origin: germline.
Comment: This variant is not present in population databases (ExAC no frequency) and has not been reported in the literature in individuals with a NODAL-related disease. In summary, this variant is a novel missense change with uncertain impact on protein function. It has been classified as a Variant of Uncertain Significance. Algorithms developed to predict the effect of missense changes on protein structure and function (SIFT, PolyPhen-2, Align-GVGD) all suggest that this variant is likely to be disruptive, but these predictions have not been confirmed by published functional studies. This sequence change replaces glycine with arginine at codon 225 of the NODAL protein (p.Gly225Arg). The glycine residue is highly conserved and there is a moderate physicochemical difference between glycine and arginine.

NM_018055.5(NODAL):c.673G>A (p.Gly225Arg)

Gene: NODAL (nodal growth differentiation factor; minus strand). Cytogenetic location: 10q22.1.
Variant type: single nucleotide variant.
Coding change: c.673G>A on transcript NM_018055.5 (MANE Select); coding-DNA position 673, G replaced by A.
Protein change: p.Gly225Arg; replaces glycine 225 with arginine.
Molecular consequence: missense variant.
Genome position (GRCh38, 1-based): chr10:70,435,504, C>T on the plus strand (G>A on the coding strand, the complement: NODAL is on the minus strand). VCF-style: chr10-70435504-C-T. GRCh37 (hg19) VCF-style: chr10-72195260-C-T.
Other names: c.274G>A, p.Gly92Arg (NM_001329906.2); short protein forms G225R, G92R.
Identifiers: ClinVar variation 567292 (VCV000567292.8), dbSNP rs1564667208, ClinGen allele CA376945641.
Genomic context (GRCh38, chr10:70,435,504, plus strand): 5'-GACTTCTGTCTGGCAAGTGATGTCGACGGTGCCTCTTGCCCCACTCCCAGGACAGCTGTC[C>T]CTCCTGGGCCCGCCAGGAGCTCTCGGCTTCCCACAGCAAGGTGGACCCACCCAGCTGCCT-3'
Protein context (NP_060525.3, residues 215-235): EAESSWRAQE[Gly225Arg]QLSWEWGKRH